The following is an entry in ClinVar:

ClinVar aggregate classification (germline): Conflicting classifications of pathogenicity. Review status: criteria provided, conflicting classifications (1 of 4 stars). 4 submissions from 4 submitters: Uncertain significance (1); Likely benign (3). Last evaluated 2025-06-12.

Conditions:
Bartter disease type 1. Also called: HYPOKALEMIC ALKALOSIS WITH HYPERCALCIURIA 1, ANTENATAL; Bartter syndrome, type 1, antenatal; HYPERPROSTAGLANDIN E SYNDROME 1; Bartter Syndrome type 1. Identifiers: Orphanet 112, Orphanet 620217, MedGen C1866495, MONDO:0100344, OMIM 601678, MONDO:0011127.

Allele frequency attached by ClinVar (database versions not stated): ExAC 0.00001; TOPMed 0.00001; gnomAD exomes 0.00002 and 0.00004.
gnomAD v4.1: 14 of 1,597,006 alleles (0.00088%); highest among the groups gnomAD compares: Admixed American, 0.026%; no homozygotes.

Submissions (4):

Labcorp Genetics (formerly Invitae), Labcorp
Classification: Likely benign. Last evaluated: 2025-06-12. Review status: criteria provided, single submitter. Criteria: Invitae Variant Classification Sherloc (09022015). Collection method: clinical testing. Allele origin: germline.

GeneDx
Classification: Uncertain significance. Last evaluated: 2024-02-23. Review status: criteria provided, single submitter. Criteria: GeneDx Variant Classification Process June 2021. Collection method: clinical testing. Allele origin: germline. Affected: yes.
Comment: In silico analysis is inconclusive as to whether the variant alters gene splicing. In the absence of RNA/functional studies, the actual effect of this sequence change is unknown.; Has not been previously published as pathogenic or benign to our knowledge

Fulgent Genetics
Classification: Likely benign for Bartter disease type 1. Last evaluated: 2021-11-16. Review status: criteria provided, single submitter. Criteria: ACMG Guidelines, 2015. Collection method: clinical testing. Allele origin: unknown.

Blueprint Genetics
Classification: Likely benign. Last evaluated: 2020-08-24. Review status: criteria provided, single submitter. Criteria: ACMG Guidelines, 2015. Collection method: clinical testing. Allele origin: germline.

NM_000338.3(SLC12A1):c.1561-8T>G

Gene: SLC12A1 (solute carrier family 12 member 1; plus strand). Cytogenetic location: 15q21.1.
Variant type: single nucleotide variant.
Coding change: c.1561-8T>G on transcript NM_000338.3 (MANE Select); 8 bases into the intron before coding-DNA position 1561, T replaced by G.
Molecular consequence: intron variant.
Genome position (GRCh38, 1-based): chr15:48,247,329, T>G. VCF-style: chr15-48247329-T-G. GRCh37 (hg19) VCF-style: chr15-48539526-T-G.
Other names: c.1561-8T>G (NM_001184832.2).
Identifiers: ClinVar variation 751575 (VCV000751575.10), dbSNP rs778539276, ClinGen allele CA7547148.